The following is an entry in ClinVar:

NM_006914.4(RORB):c.816C>A (p.Tyr272Ter)

Gene: RORB (RAR related orphan receptor B; plus strand). Cytogenetic location: 9q21.13.
Variant type: single nucleotide variant.
Coding change: c.816C>A on transcript NM_006914.4 (MANE Select); coding-DNA position 816, C replaced by A.
Protein change: p.Tyr272Ter; replaces tyrosine 272 with a stop codon.
Molecular consequence: nonsense.
Genome position (GRCh38, 1-based): chr9:74,662,530, C>A. VCF-style: chr9-74662530-C-A. GRCh37 (hg19) VCF-style: chr9-77277446-C-A.
Other names: c.849C>A, p.Tyr283Ter (NM_001365023.1); short protein forms Y283*, Y272*.
Identifiers: ClinVar variation 2023022 (VCV002023022.4), dbSNP rs2489626297, ClinGen allele CA373770777.

ClinVar aggregate classification (germline): Pathogenic (1 of 4 stars; one submission).

Submission:

Labcorp Genetics (formerly Invitae), Labcorp
Classification: Pathogenic. Last evaluated: 2023-10-03. Review status: criteria provided, single submitter. Criteria: Invitae Variant Classification Sherloc (09022015). Collection method: clinical testing. Allele origin: germline.
Comment: This sequence change creates a premature translational stop signal (p.Tyr272*) in the RORB gene. It is expected to result in an absent or disrupted protein product. Loss-of-function variants in RORB are known to be pathogenic (PMID: 27352968). This variant is not present in population databases (gnomAD no frequency). This variant has not been reported in the literature in individuals affected with RORB-related conditions. ClinVar contains an entry for this variant (Variation ID: 2023022). For these reasons, this variant has been classified as Pathogenic.

Literature cited by the submitters: PubMed 27352968.